The following is an entry in ClinVar:

NM_173814.6(PRTG):c.3272C>T (p.Ser1091Phe)

Gene: PRTG (protogenin; minus strand). Cytogenetic location: 15q21.3.
Variant type: single nucleotide variant.
Coding change: c.3272C>T on transcript NM_173814.6 (MANE Select); coding-DNA position 3272, C replaced by T.
Protein change: p.Ser1091Phe; replaces serine 1091 with phenylalanine.
Molecular consequence: missense variant.
Genome position (GRCh38, 1-based): chr15:55,620,193, G>A on the plus strand (C>T on the coding strand, the complement: PRTG is on the minus strand). VCF-style: chr15-55620193-G-A. GRCh37 (hg19) VCF-style: chr15-55912391-G-A.
Other names: short protein forms S1091F.
Identifiers: ClinVar variation 1703125 (VCV001703125.3), dbSNP rs79244725, ClinGen allele CA7575571.

ClinVar aggregate classification (germline): Uncertain significance (1 of 4 stars; one submission).

Allele frequency attached by ClinVar (database versions not stated): 1000 Genomes Project 0.00040; 1000 Genomes Project 30x 0.00062; ESP Exome Variant Server 0.00108; TOPMed 0.00110; gnomAD 0.00114; ExAC 0.00123; gnomAD exomes 0.00214.
gnomAD v4.1: 3,230 of 1,614,152 alleles (0.2%); highest among the groups gnomAD compares: Non-Finnish European, 0.26%; 2 homozygotes.

Submission:

Greenwood Genetic Center Diagnostic Laboratories, Greenwood Genetic Center
Classification: Uncertain significance. Last evaluated: 2022-06-20. Review status: criteria provided, single submitter. Criteria: ACMG Guidelines, 2015. Collection method: clinical testing. Allele origin: germline. Affected: yes.
Comment: Gene of Uncertain Significance